The following is an entry in ClinVar:

NM_000238.4(KCNH2):c.1781G>A (p.Gly594Asp)

Gene: KCNH2 (potassium voltage-gated channel subfamily H member 2; minus strand). Cytogenetic location: 7q36.1.
Variant type: single nucleotide variant.
Coding change: c.1781G>A on transcript NM_000238.4 (MANE Select); coding-DNA position 1781, G replaced by A.
Protein change: p.Gly594Asp; replaces glycine 594 with aspartic acid.
Molecular consequence: missense variant.
Genome position (GRCh38, 1-based): chr7:150,951,612, C>T on the plus strand (G>A on the coding strand, the complement: KCNH2 is on the minus strand). VCF-style: chr7-150951612-C-T. GRCh37 (hg19) VCF-style: chr7-150648700-C-T.
Other names: c.1781G>A (LRG_288t1); c.761G>A, p.Gly254Asp (NM_001204798.2, NM_172057.3); c.1493G>A, p.Gly498Asp (NM_001406753.1, NM_001406756.1); c.1604G>A, p.Gly535Asp (NM_001406755.1); c.1481G>A, p.Gly494Asp (NM_001406757.1); c.1781G>A, p.Gly594Asp (NM_172056.3); short protein forms G254D, G594D, G494D, G498D, G535D.
Identifiers: ClinVar variation 67271 (VCV000067271.10), dbSNP rs199472931, ClinGen allele CA005466.
Genomic context (GRCh38, chr7:150,951,612, plus strand): 5'-GCCGTCACATACTTGTCCTTGATGGAGGGGCCGCCCAGGCCGCTGCTGTTGTAGGGTTTG[C>T]CTATCTGGTCGCCCAGGTTGTGCAGCCAGCCGATGCGTGAGTCCATGTGTGGCTGCTCCA-3'
Protein context (NP_000229.1, residues 584-604): GWLHNLGDQI[Gly594Asp]KPYNSSGLGG

ClinVar aggregate classification (germline): Conflicting classifications of pathogenicity. Review status: criteria provided, conflicting classifications (1 of 4 stars). 3 submissions from 3 submitters: Likely pathogenic (1); Uncertain significance (1). 1 of the submissions does not count toward it. Last evaluated 2022-11-03.

Conditions:
Cardiovascular phenotype. Identifiers: MedGen CN230736.
Familial long QT syndrome (RWS). Also called: Congenital long QT syndrome; Romano-Ward syndrome; VENTRICULAR FIBRILLATION WITH PROLONGED QT INTERVAL. Identifiers: Orphanet 768, MedGen C1141890, MONDO:0019171.
Long QT syndrome (LQTS). Identifiers: MedGen C0023976, MeSH D008133, MONDO:0002442. Disease mechanism: loss of function. Inheritance: Various modes of inheritance.

Allele frequency attached by ClinVar (database versions not stated): gnomAD 0.00001; TOPMed below 0.00001.
gnomAD v4.1: 1 of 1,614,120 alleles (0.000062%); highest among the groups gnomAD compares: Non-Finnish European, 0.000085%; no homozygotes.

Submissions (3):

Ambry Genetics
Classification: Uncertain significance for Cardiovascular phenotype. Last evaluated: 2022-11-03. Review status: criteria provided, single submitter. Criteria: Ambry Variant Classification Scheme 2023. Collection method: clinical testing. Allele origin: germline.

Labcorp Genetics (formerly Invitae), Labcorp
Classification: Likely pathogenic for Long QT syndrome. Last evaluated: 2019-07-31. Review status: criteria provided, single submitter. Criteria: Invitae Variant Classification Sherloc (09022015). Collection method: clinical testing. Allele origin: germline.
Comment: This variant has been observed in several individuals clinical features of long QT syndrome (LQTS) (PMID: 22949429, 17905336, 19716085, 23098067, 23158531). ClinVar contains an entry for this variant (Variation ID: 67271). In summary, the currently available evidence indicates that the variant is pathogenic, but additional data are needed to prove that conclusively. Therefore, this variant has been classified as Likely Pathogenic. This variant has been reported to affect KCNH2 protein function (PMID: 25417810). This variant is not present in population databases (ExAC no frequency). This sequence change replaces glycine with aspartic acid at codon 594 of the KCNH2 protein (p.Gly594Asp). The glycine residue is moderately conserved and there is a moderate physicochemical difference between glycine and aspartic acid.

Cardiovascular Biomedical Research Unit, Royal Brompton & Harefield NHS Foundation Trust
No classification provided. Condition: Familial long QT syndrome. Review status: no classification provided. Collection method: literature only. Allele origin: germline. Not counted in ClinVar's aggregate classification.
Comment: This variant has been reported as associated with Long QT syndrome in the following publications (PMID:19716085;PMID:19841300). This is a literature report, and does not necessarily reflect the clinical interpretation of the Imperial College / Royal Brompton Cardiovascular Genetics laboratory.

Literature cited by the submitters: PubMed 22949429 (cited by Labcorp Genetics (formerly Invitae), Labcorp); PubMed 17905336 (cited by Labcorp Genetics (formerly Invitae), Labcorp); PubMed 19716085 (cited by Labcorp Genetics (formerly Invitae), Labcorp and Cardiovascular Biomedical Research Unit, Royal Brompton & Harefield NHS Foundation Trust); PubMed 23098067 (cited by Labcorp Genetics (formerly Invitae), Labcorp); PubMed 23158531 (cited by Labcorp Genetics (formerly Invitae), Labcorp); PubMed 25417810 (cited by Labcorp Genetics (formerly Invitae), Labcorp); PubMed 19841300 (cited by Cardiovascular Biomedical Research Unit, Royal Brompton & Harefield NHS Foundation Trust); PubMed 22581653 (cited by Cardiovascular Biomedical Research Unit, Royal Brompton & Harefield NHS Foundation Trust).